The following is an entry in ClinVar:

ClinVar aggregate classification (germline): Pathogenic (1 of 4 stars; one submission).

Conditions:
Alstrom syndrome (ALMS). Identifiers: Orphanet 64, MedGen C0268425, MONDO:0008763, OMIM 203800.

Allele frequency attached by ClinVar (database versions not stated): gnomAD exomes below 0.00001; ExAC 0.00001; ESP Exome Variant Server 0.00008.
gnomAD v4.1: 13 of 1,614,176 alleles (0.00081%); highest among the groups gnomAD compares: Non-Finnish European, 0.0011%; no homozygotes.

Submission:

Labcorp Genetics (formerly Invitae), Labcorp
Classification: Pathogenic for Alstrom syndrome. Last evaluated: 2025-09-02. Review status: criteria provided, single submitter. Criteria: Invitae Variant Classification Sherloc (09022015). Collection method: clinical testing. Allele origin: germline.
Comment: This sequence change creates a premature translational stop signal (p.Gln3001*) in the ALMS1 gene. It is expected to result in an absent or disrupted protein product. Loss-of-function variants in ALMS1 are known to be pathogenic (PMID: 17594715). This variant is present in population databases (rs200930613, gnomAD 0.0009%). This variant has not been reported in the literature in individuals affected with ALMS1-related conditions. ClinVar contains an entry for this variant (Variation ID: 1457897). For these reasons, this variant has been classified as Pathogenic.

Literature cited by the submitters: PubMed 17594715.

NM_001378454.1(ALMS1):c.8998C>T (p.Gln3000Ter)

Gene: ALMS1 (ALMS1 centrosome and basal body associated protein; plus strand). Cytogenetic location: 2p13.1.
Variant type: single nucleotide variant.
Coding change: c.8998C>T on transcript NM_001378454.1 (MANE Select); coding-DNA position 8998, C replaced by T.
Protein change: p.Gln3000Ter; replaces glutamine 3000 with a stop codon.
Molecular consequence: nonsense.
Genome position (GRCh38, 1-based): chr2:73,490,957, C>T. VCF-style: chr2-73490957-C-T. GRCh37 (hg19) VCF-style: chr2-73718084-C-T.
Other names: c.9001C>T, p.Gln3001Ter (NM_015120.4); short protein forms Q3000*, Q3001*.
Identifiers: ClinVar variation 1457897 (VCV001457897.6), dbSNP rs200930613, ClinGen allele CA1714579.